The following is an entry in ClinVar:

NM_002578.5(PAK3):c.626C>T (p.Ser209Phe)

Gene: PAK3 (p21 (RAC1) activated kinase 3; plus strand). Cytogenetic location: Xq23.
Variant type: single nucleotide variant.
Coding change: c.626C>T on transcript NM_002578.5 (MANE Select); coding-DNA position 626, C replaced by T.
Protein change: p.Ser209Phe; replaces serine 209 with phenylalanine.
Molecular consequence: missense variant. On other transcripts: non-coding transcript variant (2).
Genome position (GRCh38, 1-based): chrX:111,163,587, C>T. VCF-style: chrX-111163587-C-T. GRCh37 (hg19) VCF-style: chrX-110406815-C-T.
Other names: c.626C>T, p.Ser209Phe (NM_001128166.3, NM_001128167.3, NM_001324325.2 and 5 more transcripts); c.734C>T, p.Ser245Phe (NM_001128168.3); c.689C>T, p.Ser230Phe (NM_001128172.2); c.671C>T, p.Ser224Phe (NM_001128173.3, NM_001324327.2, NM_001324328.2 and 2 more transcripts); short protein forms S209F, S230F, S224F, S245F.
Identifiers: ClinVar variation 1752540 (VCV001752540.2), dbSNP rs2094216905, ClinGen allele CA414236630.

ClinVar aggregate classification (germline): Uncertain significance (1 of 4 stars; one submission).

Conditions:
Inborn genetic diseases. Identifiers: MedGen C0950123, MeSH D030342.

Allele frequency attached by ClinVar (database versions not stated): gnomAD exomes below 0.00001; TOPMed below 0.00001.
gnomAD v4.1: 1 of 1,205,252 alleles (0.000083%); highest among the groups gnomAD compares: East Asian, 0.003%; no homozygotes.

Submission:

Ambry Genetics
Classification: Uncertain significance for Inborn genetic diseases. Last evaluated: 2020-03-25. Review status: criteria provided, single submitter. Criteria: Ambry Variant Classification Scheme 2023. Collection method: clinical testing. Allele origin: germline.
Comment: The p.S209F variant (also known as c.626C>T), located in coding exon 6 of the PAK3 gene, results from a C to T substitution at nucleotide position 626. The serine at codon 209 is replaced by phenylalanine, an amino acid with highly dissimilar properties. This amino acid position is not well conserved in available vertebrate species. In addition, this alteration is predicted to be tolerated by in silico analysis. Since supporting evidence is limited at this time, the clinical significance of this alteration remains unclear.